The following is an entry in ClinVar:

ClinVar aggregate classification (germline): Likely benign (1 of 4 stars; one submission).

Submission:

CeGaT Center for Human Genetics Tuebingen
Classification: Likely benign. Last evaluated: 2025-12-01. Review status: criteria provided, single submitter. Criteria: CeGaT Center For Human Genetics Tuebingen Variant Classification Criteria Version 2. Collection method: clinical testing. Allele origin: germline. Affected: yes. Observed: 5 variant alleles.
Comment: TBL1XR1: PM2:Supporting, BP4, BP7

NM_024665.7(TBL1XR1):c.333T>G (p.Ala111=)

Gene: TBL1XR1 (TBL1X/Y related 1; minus strand). Cytogenetic location: 3q26.32.
Variant type: single nucleotide variant.
Coding change: c.333T>G on transcript NM_024665.7 (MANE Select); coding-DNA position 333, T replaced by G.
Protein change: p.Ala111=; no amino-acid change (alanine 111 retained).
Molecular consequence: synonymous variant.
Genome position (GRCh38, 1-based): chr3:177,051,598, A>C on the plus strand (T>G on the coding strand, the complement: TBL1XR1 is on the minus strand). VCF-style: chr3-177051598-A-C. GRCh37 (hg19) VCF-style: chr3-176769386-A-C.
Other names: c.333T>G, p.Ala111= (NM_001321193.3, NM_001321194.3, NM_001374327.1 and 2 more transcripts); c.72T>G, p.Ala24= (NM_001321195.3, NM_001374330.1).
Identifiers: ClinVar variation 2571195 (VCV002571195.27), dbSNP rs762576223, ClinGen allele CA436987292.